The following is an entry in ClinVar:

NM_000136.3(FANCC):c.1250A>G (p.Glu417Gly)

Genes: AOPEP (aminopeptidase O (putative); plus strand), FANCC (FA complementation group C; minus strand). Cytogenetic location: 9q22.32.
Variant type: single nucleotide variant.
Coding change: c.1250A>G on transcript NM_000136.3 (MANE Select); coding-DNA position 1250, A replaced by G.
Protein change: p.Glu417Gly; replaces glutamic acid 417 with glycine.
Molecular consequence: missense variant.
Genome position (GRCh38, 1-based): chr9:95,111,542, T>C on the plus strand (A>G on the coding strand, the complement: FANCC is on the minus strand). VCF-style: chr9-95111542-T-C. GRCh37 (hg19) VCF-style: chr9-97873824-T-C.
Other names: c.1250A>G, p.Glu417Gly (NM_001243743.2, NM_001243744.2); short protein forms E417G.
Identifiers: ClinVar variation 1760569 (VCV001760569.2), dbSNP rs2134549222, ClinGen allele CA374107377.
Genomic context (GRCh38, chr9:95,111,542, plus strand): 5'-TGCCTCCCATCACGGGGGCCGTAGTAGAAGGCCAAGAGCCACAGCAGGGCCGTGGGGGGT[T>C]CGGCTGCCGACATCAGTAATTGCTCTGCCACCATCTCAGCCCATCCTCCGAAGTGAATGA-3'
Protein context (NP_000127.2, residues 407-427): VAEQLLMSAA[Glu417Gly]PPTALLWLLA

ClinVar aggregate classification (germline): Uncertain significance (1 of 4 stars; one submission).

Conditions:
Hereditary cancer-predisposing syndrome. Also called: Neoplastic Syndromes, Hereditary; Tumor predisposition; Hereditary Cancer Syndrome; Hereditary neoplastic syndrome. Identifiers: Orphanet 140162, MedGen C0027672, MeSH D009386, MONDO:0015356.

Submission:

Ambry Genetics
Classification: Uncertain significance for Hereditary cancer-predisposing syndrome. Last evaluated: 2024-01-20. Review status: criteria provided, single submitter. Criteria: Ambry Variant Classification Scheme 2023. Collection method: clinical testing. Allele origin: germline.
Comment: The p.E417G variant (also known as c.1250A>G), located in coding exon 12 of the FANCC gene, results from an A to G substitution at nucleotide position 1250. The glutamic acid at codon 417 is replaced by glycine, an amino acid with similar properties. This amino acid position is conserved. In addition, this alteration is predicted to be tolerated by in silico analysis. Since supporting evidence is limited at this time, the clinical significance of this alteration remains unclear.